The following is an entry in ClinVar:

NM_000441.2(SLC26A4):c.1594del (p.Ser532fs)

Gene: SLC26A4 (solute carrier family 26 member 4; plus strand). Cytogenetic location: 7q22.3.
Variant type: Deletion.
Coding change: c.1594del on transcript NM_000441.2 (MANE Select); coding-DNA position 1594, one base deleted (A; older notation c.1594delA).
Protein change: p.Ser532fs; shifts the reading frame from serine 532.
Molecular consequence: frameshift variant.
Genome position (GRCh38, 1-based): chr7:107,698,091, A deleted; the last of 4 consecutive A bases (chr7:107,698,088-107,698,091); deleting any one gives the same sequence. VCF-style (leftmost placement, unchanged base first): chr7-107698087-CA-C. GRCh37 (hg19) VCF-style: chr7-107338532-CA-C.
Other names: short protein forms S532fs.
Identifiers: ClinVar variation 3601746 (VCV003601746.1).

ClinVar aggregate classification (germline): Pathogenic (1 of 4 stars; one submission).

Conditions:
Autosomal recessive nonsyndromic hearing loss 4 (DFNB4). Also called: Deafness, autosomal recessive 4; FOXI1-Related Pendred Syndrome; KCNJ10-Related Pendred Syndrome; DEAFNESS, AUTOSOMAL RECESSIVE 4, WITH ENLARGED VESTIBULAR AQUEDUCT, DIGENIC; NEUROSENSORY NONSYNDROMIC RECESSIVE DEAFNESS 4; Nonsyndromic enlarged vestibular aqueduct (NSEVA). Identifiers: Orphanet 90636, MedGen C3538946, MONDO:0010933, OMIM 600791.

Submission:

Institute of Rare Diseases, West China Hospital, Sichuan University
Classification: Pathogenic for Autosomal recessive nonsyndromic hearing loss 4. Last evaluated: 2025-01-09. Review status: criteria provided, single submitter. Criteria: ClinGen HL ACMG Specifications v1. Collection method: research. Allele origin: germline. Affected: yes.
Comment: PVS1;PM3_Strong;PP4;PM2_Supporting